The following is an entry in ClinVar:

NM_001242896.3(DEPDC5):c.3178G>A (p.Ala1060Thr)

Gene: DEPDC5 (DEP domain containing 5, GATOR1 subcomplex subunit; plus strand). Cytogenetic location: 22q12.3.
Variant type: single nucleotide variant.
Coding change: c.3178G>A on transcript NM_001242896.3 (MANE Select); coding-DNA position 3178, G replaced by A.
Protein change: p.Ala1060Thr; replaces alanine 1060 with threonine.
Molecular consequence: missense variant. On other transcripts: non-coding transcript variant (5).
Genome position (GRCh38, 1-based): chr22:31,857,467, G>A. VCF-style: chr22-31857467-G-A. GRCh37 (hg19) VCF-style: chr22-32253453-G-A.
Other names: c.3151G>A, p.Ala1051Thr (NM_001136029.4, NM_001369903.1, NM_014662.6); c.2944G>A, p.Ala982Thr (NM_001242897.2, NM_001363854.2, NM_001364319.2); c.3178G>A, p.Ala1060Thr (NM_001363852.2, NM_001364318.2, NM_001364320.2); c.3094G>A, p.Ala1032Thr (NM_001369901.1, NM_001369902.1); short protein forms A982T, A1032T, A1051T, A1060T.
Identifiers: ClinVar variation 4767134 (VCV004767134.1).

ClinVar aggregate classification (germline): Uncertain significance (1 of 4 stars; one submission).

Conditions:
Familial focal epilepsy with variable foci (FPEVF). Identifiers: Orphanet 98820, MedGen C1858477, MONDO:0020310.

Submission:

Labcorp Genetics (formerly Invitae), Labcorp
Classification: Uncertain significance for Familial focal epilepsy with variable foci. Last evaluated: 2025-09-24. Review status: criteria provided, single submitter. Criteria: Invitae Variant Classification Sherloc (09022015). Collection method: clinical testing. Allele origin: germline.
Comment: This sequence change replaces alanine, which is neutral and non-polar, with threonine, which is neutral and polar, at codon 1060 of the DEPDC5 protein (p.Ala1060Thr). This variant is not present in population databases (gnomAD no frequency). This variant has not been reported in the literature in individuals affected with DEPDC5-related conditions. An algorithm developed to predict the effect of missense changes on protein structure and function outputs the following: PolyPhen-2: "Not Available". The threonine amino acid residue is found in multiple mammalian species, which suggests that this missense change does not adversely affect protein function. In summary, the available evidence is currently insufficient to determine the role of this variant in disease. Therefore, it has been classified as a Variant of Uncertain Significance.